The following is an entry in ClinVar:

NM_004863.4(SPTLC2):c.1151C>T (p.Ser384Phe)

Gene: SPTLC2 (serine palmitoyltransferase long chain base subunit 2; minus strand). Cytogenetic location: 14q24.3.
Variant type: single nucleotide variant.
Coding change: c.1151C>T on transcript NM_004863.4 (MANE Select); coding-DNA position 1151, C replaced by T.
Protein change: p.Ser384Phe; replaces serine 384 with phenylalanine.
Molecular consequence: missense variant.
Genome position (GRCh38, 1-based): chr14:77,555,325, G>A on the plus strand (C>T on the coding strand, the complement: SPTLC2 is on the minus strand). VCF-style: chr14-77555325-G-A. GRCh37 (hg19) VCF-style: chr14-78021668-G-A.
Other names: short protein forms S384F.
Identifiers: ClinVar variation 637418 (VCV000637418.23), dbSNP rs1594986869, ClinGen allele CA390708429.

ClinVar aggregate classification (germline): Pathogenic/Likely pathogenic. Review status: criteria provided, multiple submitters, no conflicts (2 of 4 stars). 7 submissions from 7 submitters: Pathogenic (4); Likely pathogenic (1). 2 of the submissions do not count toward it. Last evaluated 2025-01-06.

Conditions:
SPTLC2-related disorder. Also called: SPTLC2-related condition.
Neuropathy, hereditary sensory and autonomic, type 1C. Also called: HSAN IC; HSN IC. Identifiers: Orphanet 36386, MedGen C3150896, MONDO:0013337, OMIM 613640.
Charcot-Marie-Tooth disease. Also called: Charcot-Marie-Tooth Hereditary Neuropathy; Charcot-Marie-Tooth Neuropathy. Identifiers: Orphanet 166, MedGen C0007959, MONDO:0015626.

Allele frequency attached by ClinVar (database versions not stated): gnomAD exomes below 0.00001.
gnomAD v4.1: 2 of 1,613,996 alleles (0.00012%); highest among the groups gnomAD compares: Non-Finnish European, 0.00017%; no homozygotes.

Submissions (7):

Labcorp Genetics (formerly Invitae), Labcorp
Classification: Pathogenic for Neuropathy, hereditary sensory and autonomic, type 1C. Last evaluated: 2025-01-06. Review status: criteria provided, single submitter. Criteria: Invitae Variant Classification Sherloc (09022015). Collection method: clinical testing. Allele origin: germline.
Comment: This sequence change replaces serine, which is neutral and polar, with phenylalanine, which is neutral and non-polar, at codon 384 of the SPTLC2 protein (p.Ser384Phe). This variant is not present in population databases (gnomAD no frequency). This missense change has been observed in individuals with hereditary sensory and autonomic neuropathy (PMID: 25567748, 29184351). It has also been observed to segregate with disease in related individuals. ClinVar contains an entry for this variant (Variation ID: 637418). Invitae Evidence Modeling of protein sequence and biophysical properties (such as structural, functional, and spatial information, amino acid conservation, physicochemical variation, residue mobility, and thermodynamic stability) indicates that this missense variant is not expected to disrupt SPTLC2 protein function with a negative predictive value of 80%. Experimental studies have shown that this missense change affects SPTLC2 function (PMID: 25567748, 26681808). For these reasons, this variant has been classified as Pathogenic.

Victorian Clinical Genetics Services, Murdoch Childrens Research Institute
Classification: Pathogenic for Neuropathy, hereditary sensory and autonomic, type 1C. Last evaluated: 2023-12-21. Review status: criteria provided, single submitter. Criteria: ACMG Guidelines, 2015. Collection method: clinical testing. Allele origin: germline. Inheritance: Autosomal dominant inheritance. Affected: yes.
Comment: Based on the classification scheme VCGS_Germline_v1.3.4, this variant is classified as Pathogenic. Following criteria are met: 0101 - Gain of function is a known mechanism of disease in this gene and is associated with neuropathy, hereditary sensory and autonomic, type IC, (MIM#613640). Missense variants in this gene have been proven to result in increased 1-deoxySL levels (PMID: 26681808, PMID: 25567748). (I) 0107 - This gene is associated with autosomal dominant disease. (I) 0115 - Variants in this gene are known to have variable expressivity, with intrafamilial variability described (PMID: 25567748). (I) 0200 - Variant is predicted to result in a missense amino acid change from serine to phenylalanine. (I) 0251 - This variant is heterozygous. (I) 0301 - Variant is absent from gnomAD (both v2 and v3). (SP) 0502 - Missense variant with conflicting in silico predictions and uninformative conservation. (I) 0600 - Variant is located in the annotated aminotransferase class I and II domain (DECIPHER). (I) 0801 - This variant has strong previous evidence of pathogenicity in unrelated individuals. This variant has been reported as likely pathogenic and pathogenic, and observed in several individuals with hereditary sensory and autonomic neuropathy type 1 with/without macular telangiectasia type 2 (ClinVar, PMID: 25567748, PMID: 31509666). (SP) 0901 - This variant has strong evidence for segregation with disease, having segregated in two families with at least seven affected individuals either confirmed to have the variant or are obligate carriers (PMID: 25567748). (SP) 1208 - Inheritance information for this variant is not currently available in this individual. (I) Legend: (SP) - Supporting pathogenic, (I) - Information, (SB) - Supporting benign

Blueprint Genetics
Classification: Pathogenic for SPTLC2-related disorders. Last evaluated: 2023-11-06. Review status: criteria provided, single submitter. Criteria: ACMG Guidelines, 2015. Collection method: clinical testing. Allele origin: germline. Affected: yes. Observed: 1 variant allele.

Molecular Genetics, Royal Melbourne Hospital
Classification: Likely pathogenic for Neuropathy, hereditary sensory and autonomic, type 1C. Last evaluated: 2023-03-30. Review status: criteria provided, single submitter. Criteria: ACMG Guidelines, 2015. Collection method: clinical testing. Allele origin: germline. Affected: yes.
Comment: This sequence change is predicted to replace serine with phenylalanine at codon 384 of the SPTLC2 protein, p.(Ser384Phe). The serine residue is moderately conserved (100 vertebrates, UCSC), and there is a large physicochemical difference between serine and phenylalanine. Ser384 is a confirmed phosphorylation site located in the aminotransferase class I/II domain that regulates substrate specificity (PMID: 17081983, 25567748). The variant is absent in a large population cohort (gnomAD v2.1). It has been identified in multiple unrelated individuals diagnosed with hereditary sensory and autonomic neuropathy type 1 with a later age of onset (PMID: 25567748, 30866134, 30995999, 31509666), and segregates with this phenotype in multiple families (PMID: 25567748, 31509666). Patient cells from variant carriers show significantly elevated plasma 1-deoxysphingolipids levels, with unaltered levels of canonical sphingolipids (PMID: 25567748). In vitro functional assays of p.Ser384Phe show increased 1-deoxysphingolipids levels and reduced protein activity (PMID: 25567748, 26681808). Multiple lines of computational evidence predict a deleterious effect for the missense substitution (6/7 algorithms). Based on the classification scheme RMH ACMG Guidelines v1.1.1, this variant is classified as LIKELY PATHOGENIC. Following criteria are met: PS4_Moderate, PM1, PM2, PP1_Moderate, PS3_Supporting,PP3, PP4.

Mayo Clinic Laboratories, Mayo Clinic
Classification: Pathogenic. Last evaluated: 2020-10-26. Review status: criteria provided, single submitter. Criteria: ACMG Guidelines, 2015. Collection method: clinical testing. Allele origin: germline. Observed: 1 variant allele.
Comment: PS3, PS4_moderate, PM1, PM2, PP3, PP1

OMIM
Classification: Pathogenic for NEUROPATHY, HEREDITARY SENSORY AND AUTONOMIC, TYPE IC. Last evaluated: 2019-11-04. Review status: no assertion criteria provided. Collection method: literature only. Allele origin: germline. Not counted in ClinVar's aggregate classification.

Inherited Neuropathy Consortium
Classification: Uncertain significance for Charcot-Marie-Tooth disease. Review status: no assertion criteria provided. Collection method: literature only. Allele origin: germline. Affected: yes. Not counted in ClinVar's aggregate classification.

Literature cited by the submitters: PubMed 25567748 (cited by 6 submitters); PubMed 29184351 (cited by Labcorp Genetics (formerly Invitae), Labcorp and Mayo Clinic Laboratories, Mayo Clinic); PubMed 26681808 (cited by 4 submitters); PubMed 31509666 (cited by 4 submitters); PubMed 17081983 (cited by Molecular Genetics, Royal Melbourne Hospital); PubMed 30866134 (cited by 3 submitters); PubMed 30995999 (cited by Molecular Genetics, Royal Melbourne Hospital); PubMed 30955194 (cited by Mayo Clinic Laboratories, Mayo Clinic); PubMed 32730653 (cited by Mayo Clinic Laboratories, Mayo Clinic); PubMed 28902413 (cited by Mayo Clinic Laboratories, Mayo Clinic).